The following is an entry in ClinVar:

ClinVar aggregate classification (germline): Uncertain significance. Review status: criteria provided, multiple submitters, no conflicts (2 of 4 stars). 3 submissions from 3 submitters: Uncertain significance (3). Last evaluated 2024-08-01.

Submissions (3):

Labcorp Genetics (formerly Invitae), Labcorp
Classification: Uncertain significance. Last evaluated: 2024-08-01. Review status: criteria provided, single submitter. Criteria: Invitae Variant Classification Sherloc (09022015). Collection method: clinical testing. Allele origin: germline.
Comment: This sequence change creates a premature translational stop signal (p.Pro264Hisfs*5) in the THPO gene. While this is not anticipated to result in nonsense mediated decay, it is expected to disrupt the last 90 amino acid(s) of the THPO protein. This variant is present in population databases (rs760659440, gnomAD 0.03%). This variant has not been reported in the literature in individuals affected with THPO-related conditions. ClinVar contains an entry for this variant (Variation ID: 632414). Experimental studies and prediction algorithms are not available or were not evaluated, and the functional significance of this variant is currently unknown. In summary, the available evidence is currently insufficient to determine the role of this variant in disease. Therefore, it has been classified as a Variant of Uncertain Significance.

Blueprint Genetics
Classification: Uncertain significance. Last evaluated: 2024-07-25. Review status: criteria provided, single submitter. Criteria: ACMG Guidelines, 2015. Collection method: clinical testing. Allele origin: germline.

Laboratory for Molecular Medicine, Mass General Brigham Personalized Medicine
Classification: Uncertain significance. Last evaluated: 2024-02-16. Review status: criteria provided, single submitter. Criteria: ACMG Guidelines, 2015. Collection method: clinical testing. Allele origin: germline.
Comment: The p.Leu226ArgfsX89 variant in THPO has not been previously reported in individuals with familial thrombocytopenia but has been identified in 0.021% (253/1180012) of non-Finnish European chromosomes by gnomAD. This variant has also been reported in ClinVar (Variation ID 632414). Loss-of-function variants in the THPO gene have been reported in individuals with autosomal dominant thrombocytopenia or autosomal recessive congenital amegakaryocytic thrombocytopenia. While this variant is predicted to cause a frameshift, THPO transcripts utilize two alternative reading frames in the last exon, and loss-of-function variants in this exon are frequent in the general population. Furthermore, there is moderate evidence for the association between THPO variants and familial thrombocytopenia. In summary, the clinical significance of this variant is uncertain. ACMG/AMP Criteria applied: none.

NM_000460.4(THPO):c.791_794del (p.Pro264fs)

Gene: THPO (thrombopoietin; minus strand). Cytogenetic location: 3q27.1.
Variant type: Deletion.
Coding change: c.791_794del on transcript NM_000460.4 (MANE Select); coding-DNA positions 791 to 794, 4 bases deleted (CCTC; older notation c.791_794delCCTC).
Protein change: p.Pro264fs; shifts the reading frame from proline 264.
Molecular consequence: frameshift variant.
Genome position (GRCh38, 1-based): chr3:184,372,781-184,372,784, GAGG deleted on the plus strand (CCTC on the coding strand, the reverse complement: THPO is on the minus strand); deleting any 4 consecutive bases within chr3:184,372,781-184,372,785 gives the same sequence; the c. name uses the placement nearest the transcript's 3' end. VCF-style (leftmost placement, unchanged base first): chr3-184372780-TGAGG-T. GRCh37 (hg19) VCF-style: chr3-184090568-TGAGG-T.
Other names: c.1211_1214del, p.Pro404fs (NM_001290003.1); c.779_782del, p.Pro260fs (NM_001290022.1, NM_001177597.2); c.774_777del, p.Leu259fs (NM_001290026.1, NM_001177598.2); c.675_678del, p.Leu226fs (NM_001290027.1, NM_001289997.1); c.791_794del, p.Pro264fs (NM_001290028.1, LRG_580t1, NM_001289998.1); short protein forms P404fs, P260fs, P264fs, L226fs, L259fs.
Identifiers: ClinVar variation 632414 (VCV000632414.8), dbSNP rs760659440, ClinGen allele CA2734870.